The following is an entry in ClinVar:

ClinVar aggregate classification (germline): Uncertain significance (1 of 4 stars; one submission).

Submission:

Labcorp Genetics (formerly Invitae), Labcorp
Classification: Uncertain significance. Last evaluated: 2022-03-27. Review status: criteria provided, single submitter. Criteria: Invitae Variant Classification Sherloc (09022015). Collection method: clinical testing. Allele origin: germline.
Comment: This variant, c.1063_1065del, results in the deletion of 1 amino acid(s) of the ADSSL1 protein (p.Thr355del), but otherwise preserves the integrity of the reading frame. This variant is not present in population databases (gnomAD no frequency). This variant has not been reported in the literature in individuals affected with ADSSL1-related conditions. Experimental studies and prediction algorithms are not available or were not evaluated, and the functional significance of this variant is currently unknown. In summary, the available evidence is currently insufficient to determine the role of this variant in disease. Therefore, it has been classified as a Variant of Uncertain Significance.

NM_152328.5(ADSS1):c.934_936del (p.Thr312del)

Gene: ADSS1 (adenylosuccinate synthase 1; plus strand). Cytogenetic location: 14q32.33.
Variant type: Deletion.
Coding change: c.934_936del on transcript NM_152328.5 (MANE Select); coding-DNA positions 934 to 936, 3 bases deleted (ACC; older notation c.934_936delACC).
Protein change: p.Thr312del; deletes threonine 312.
Molecular consequence: inframe deletion.
Genome position (GRCh38, 1-based): chr14:104,741,988-104,741,990, ACC deleted; deleting any 3 consecutive bases within chr14:104,741,986-104,741,990 gives the same sequence; the c. name uses the placement nearest the transcript's 3' end. VCF-style (leftmost placement, unchanged base first): chr14-104741985-CCCA-C. GRCh37 (hg19) VCF-style: chr14-105208322-CCCA-C.
Other names: c.319_321del, p.Thr107del (NM_001320424.1); c.1063_1065del, p.Thr355del (NM_199165.2); short protein forms T312del, T107del, T355del.
Identifiers: ClinVar variation 2118534 (VCV002118534.1), dbSNP rs2542035120, ClinGen allele CA2562814424.
Genomic context (GRCh38, chr14:104,741,985, plus strand): 5'-ATAGGTGACGTGTATGGCGTGGTGAAAGCCTATACCACACGTGTGGGCATCGGGGCCTTC[CCCA>C]CCGAGCAGATCAACGTGAGTCCCCAGCCCCTCGGGACCCCGTGGGAGGACAGGGAGGCCA-3'